The following is an entry in ClinVar:

NM_080732.4(EGLN2):c.356G>A (p.Arg119Gln)

Genes: EGLN2 (egl-9 family hypoxia inducible factor 2; plus strand), RAB4B-EGLN2 (RAB4B-EGLN2 readthrough (NMD candidate); plus strand). Cytogenetic location: 19q13.2.
Variant type: single nucleotide variant.
Coding change: c.356G>A on transcript NM_080732.4 (MANE Select); coding-DNA position 356, G replaced by A.
Protein change: p.Arg119Gln; replaces arginine 119 with glutamine.
Molecular consequence: missense variant. On other transcripts: non-coding transcript variant (1).
Genome position (GRCh38, 1-based): chr19:40,800,928, G>A. VCF-style: chr19-40800928-G-A. GRCh37 (hg19) VCF-style: chr19-41306833-G-A.
Other names: p.Arg119Gln; c.356G>A, p.Arg119Gln (NM_053046.4); short protein forms R119Q.
Identifiers: ClinVar variation 4542344 (VCV004542344.1).

ClinVar aggregate classification (germline): Uncertain significance (1 of 4 stars; one submission).

Submission:

Mayo Clinic Laboratories, Mayo Clinic
Classification: Uncertain significance. Last evaluated: 2025-09-18. Review status: criteria provided, single submitter. Criteria: ACMG Guidelines, 2015. Collection method: clinical testing. Allele origin: germline. Observed: 1 variant allele.
Comment: BP4_moderate, PM2_supporting